The following is an entry in ClinVar:

ClinVar aggregate classification (germline): Pathogenic (1 of 4 stars; one submission).

Conditions:
Autosomal recessive severe congenital neutropenia due to G6PC3 deficiency. Also called: G6PC3 Deficiency; NEUTROPENIA, SEVERE CONGENITAL, 4, AUTOSOMAL RECESSIVE. Identifiers: Orphanet 331176, MedGen C2751630, MONDO:0012930, OMIM 612541.

Submission:

Labcorp Genetics (formerly Invitae), Labcorp
Classification: Pathogenic for Autosomal recessive severe congenital neutropenia due to G6PC3 deficiency. Last evaluated: 2022-10-05. Review status: criteria provided, single submitter. Criteria: Invitae Variant Classification Sherloc (09022015). Collection method: clinical testing. Allele origin: germline.
Comment: For these reasons, this variant has been classified as Pathogenic. This variant disrupts a region of the G6PC3 protein in which other variant(s) (p.Gly260Arg) have been determined to be pathogenic (PMID: 19118303, 20616219, 23180359, 23441086, 25492228). This suggests that this is a clinically significant region of the protein, and that variants that disrupt it are likely to be disease-causing. This variant has not been reported in the literature in individuals affected with G6PC3-related conditions. This variant is not present in population databases (gnomAD no frequency). This sequence change creates a premature translational stop signal (p.Ala257Leufs*28) in the G6PC3 gene. While this is not anticipated to result in nonsense mediated decay, it is expected to disrupt the last 90 amino acid(s) of the G6PC3 protein.

Literature cited by the submitters: PubMed 19118303; PubMed 20616219; PubMed 23180359; PubMed 23441086; PubMed 25492228.

NM_138387.4(G6PC3):c.765del (p.Ala257fs)

Gene: G6PC3 (glucose-6-phosphatase catalytic subunit 3; plus strand). Cytogenetic location: 17q21.31.
Variant type: Deletion.
Coding change: c.765del on transcript NM_138387.4 (MANE Select); coding-DNA position 765, one base deleted (A; older notation c.765delA).
Protein change: p.Ala257fs; shifts the reading frame from alanine 257.
Molecular consequence: frameshift variant. On other transcripts: 3 prime UTR variant (1).
Genome position (GRCh38, 1-based): chr17:44,075,767, A deleted. VCF-style (leftmost placement, unchanged base first): chr17-44075766-CA-C. GRCh37 (hg19) VCF-style: chr17-42153134-CA-C.
Other names: c.*58del (NM_001319945.2); c.420del, p.Ala142fs (NM_001384165.1, NM_001384166.1, NM_001384167.1 and 1 more transcripts); short protein forms A257fs, A142fs.
Identifiers: ClinVar variation 2034287 (VCV002034287.4), dbSNP rs2509371931, ClinGen allele CA2580093865.